The following is an entry in ClinVar:

ClinVar aggregate classification (germline): Conflicting classifications of pathogenicity. Review status: criteria provided, conflicting classifications (1 of 4 stars). 3 submissions from 3 submitters: Likely pathogenic (2); Uncertain significance (1). Last evaluated 2026-05-28.

Conditions:
HPS5-related disorder. Also called: HPS5-related condition.

Allele frequency attached by ClinVar (database versions not stated): gnomAD exomes below 0.00001; TOPMed below 0.00001; ExAC 0.00002; ESP Exome Variant Server 0.00015.
gnomAD v4.1: 3 of 1,613,476 alleles (0.00019%); highest among the groups gnomAD compares: Non-Finnish European, 0.00025%; no homozygotes.

Submissions (3):

PreventionGenetics, part of Exact Sciences
Classification: Likely pathogenic for HPS5-related condition. Last evaluated: 2026-05-28. Review status: criteria provided, single submitter. Criteria: ACMG Guidelines, 2015. Collection method: clinical testing. Allele origin: germline.
Comment: The HPS5 c.1165-1G>A variant is predicted to disrupt the AG splice acceptor site and interfere with normal splicing. To our knowledge, this variant has not been reported in the literature. This variant is reported in 0.0018% of alleles in individuals of European (Non-Finnish) descent in gnomAD. Variants that disrupt the consensus splice acceptor site in HPS5 are expected to be pathogenic. This variant is interpreted as likely pathogenic.

Labcorp Genetics (formerly Invitae), Labcorp
Classification: Likely pathogenic. Last evaluated: 2025-10-21. Review status: criteria provided, single submitter. Criteria: Invitae Variant Classification Sherloc (09022015). Collection method: clinical testing. Allele origin: germline.
Comment: This sequence change affects an acceptor splice site in intron 10 of the HPS5 gene. It is expected to disrupt RNA splicing. Variants that disrupt the donor or acceptor splice site typically lead to a loss of protein function (PMID: 16199547), and loss-of-function variants in HPS5 are known to be pathogenic (PMID: 12548288, 15296495, 21833017, 26785811). This variant is present in population databases (rs375093519, gnomAD 0.002%). This variant has not been reported in the literature in individuals affected with HPS5-related conditions. ClinVar contains an entry for this variant (Variation ID: 2022312). Algorithms developed to predict the effect of sequence changes on RNA splicing suggest that this variant may disrupt the consensus splice site. In summary, the currently available evidence indicates that the variant is pathogenic, but additional data are needed to prove that conclusively. Therefore, this variant has been classified as Likely Pathogenic.

Blueprint Genetics
Classification: Uncertain significance. Last evaluated: 2024-04-25. Review status: criteria provided, single submitter. Criteria: ACMG Guidelines, 2015. Collection method: clinical testing. Allele origin: germline.

Literature cited by the submitters: PubMed 16199547 (cited by Labcorp Genetics (formerly Invitae), Labcorp); PubMed 12548288 (cited by Labcorp Genetics (formerly Invitae), Labcorp); PubMed 15296495 (cited by Labcorp Genetics (formerly Invitae), Labcorp); PubMed 21833017 (cited by Labcorp Genetics (formerly Invitae), Labcorp); PubMed 26785811 (cited by Labcorp Genetics (formerly Invitae), Labcorp).

NM_181507.2(HPS5):c.1165-1G>A

Gene: HPS5 (HPS5 biogenesis of lysosomal organelles complex 2 subunit 2; minus strand). Cytogenetic location: 11p15.1.
Variant type: single nucleotide variant.
Coding change: c.1165-1G>A on transcript NM_181507.2 (MANE Select); the canonical splice acceptor site of the intron before coding-DNA position 1165, G replaced by A.
Molecular consequence: splice acceptor variant.
Genome position (GRCh38, 1-based): chr11:18,297,718, C>T on the plus strand (G>A on the coding strand, the complement: HPS5 is on the minus strand). VCF-style: chr11-18297718-C-T. GRCh37 (hg19) VCF-style: chr11-18319265-C-T.
Other names: c.751-1G>A (NM_001440929.1, NM_001440928.1, NM_001440927.1); c.823-1G>A (NM_181508.2, NM_001440921.1, NM_001440926.1 and 7 more transcripts); c.1054-1G>A (NM_001440915.1, NM_001440914.1, NM_001440913.1); c.1165-1G>A (NM_001440931.1, NM_001440917.1, NM_001440906.1 and 6 more transcripts); c.1090-1G>A (NM_001440907.1, NM_001440909.1, NM_001440908.1); c.952-1G>A (NM_001440919.1); c.979-1G>A (NM_001440918.1).
Identifiers: ClinVar variation 2022312 (VCV002022312.6), dbSNP rs375093519, ClinGen allele CA5910205.